The following is an entry in ClinVar:

NR_023317.1(RNU7-1):n.44C>T

Genes: C12orf57 (chromosome 12 open reading frame 57; plus strand), RNU7-1 (RNA, U7 small nuclear 1; plus strand). Cytogenetic location: 12p13.31.
Variant type: single nucleotide variant.
Molecular consequence: non-coding transcript variant (on NR_023317.1). On other transcripts: intron variant (2).
Genome position: GRCh38 VCF-style: chr12-6943859-C-T. GRCh37 (hg19) VCF-style: chr12-7053022-C-T.
Other names: c.13+197C>T (NM_001301836.2); c.-16+197C>T (NM_001301834.1).
Identifiers: ClinVar variation 1181108 (VCV001181108.8), dbSNP rs7965269, ClinGen allele CA13641706.

ClinVar aggregate classification (germline): Benign. Review status: criteria provided, multiple submitters, no conflicts (2 of 4 stars). 4 submissions from 4 submitters: Benign (4). Last evaluated 2026-01-22.

Allele frequency attached by ClinVar (database versions not stated): 1000 Genomes Project 0.46346; TOPMed 0.47244.
gnomAD v4.1: 319,022 of 936,706 alleles (34%); highest among the groups gnomAD compares: African/African-American, 80%; 62,021 homozygotes.

Submissions (4):

Women's Health and Genetics/Laboratory Corporation of America, LabCorp
Classification: Benign. Last evaluated: 2026-01-22. Review status: criteria provided, single submitter. Criteria: LabCorp Variant Classification Summary - May 2015. Collection method: clinical testing. Allele origin: germline.
Comment: Variant summary: RNU7-1 n.44C>T alters a nucleotide in the non-coding RNA. The variant allele was found at a frequency of 0.43 in 31326 control chromosomes in the gnomAD database, including 3664 homozygotes. The observed variant frequency exceeds the estimated maximal expected allele frequency for disease-causing variants in RNU7-1. To our knowledge, no occurrence of n.44C>T in individuals affected with RNU7-1-related conditions and no experimental evidence demonstrating its impact on protein function have been reported. ClinVar contains an entry for this variant (Variation ID: 1181108). Based on the evidence outlined above, the variant was classified as benign.

Unidad de Genómica Garrahan, Hospital de Pediatría Garrahan
Classification: Benign. Last evaluated: 2024-01-24. Review status: criteria provided, single submitter. Criteria: ACMG Guidelines, 2015. Collection method: clinical testing. Allele origin: germline. Affected: no. Observed: 58 variant alleles.
Comment: This variant is classified as Benign based on local population frequency. This variant was detected in 61% of patients studied by a panel of primary immunodeficiencies. Number of patients: 58. Only high quality variants are reported.

GeneDx
Classification: Benign. Last evaluated: 2018-11-10. Review status: criteria provided, single submitter. Criteria: GeneDx Variant Classification Process June 2021. Collection method: clinical testing. Allele origin: germline. Affected: yes.

Breakthrough Genomics
Classification: Benign. Review status: criteria provided, single submitter. Criteria: ACMG Guidelines, 2015. Collection method: not provided. Allele origin: germline. Inheritance: Autosomal recessive inheritance. Affected: yes.